The following is an entry in ClinVar:

NM_005732.4(RAD50):c.3805C>G (p.His1269Asp)

Genes: TH2LCRR (T helper type 2 locus control region associated RNA; minus strand), RAD50 (RAD50 double strand break repair protein; plus strand). Cytogenetic location: 5q31.1.
Variant type: single nucleotide variant.
Coding change: c.3805C>G on transcript NM_005732.4 (MANE Select); coding-DNA position 3805, C replaced by G.
Protein change: p.His1269Asp; replaces histidine 1269 with aspartic acid.
Molecular consequence: missense variant. On other transcripts: non-coding transcript variant (1).
Genome position (GRCh38, 1-based): chr5:132,642,230, C>G. VCF-style: chr5-132642230-C-G. GRCh37 (hg19) VCF-style: chr5-131977922-C-G.
Other names: short protein forms H1269D.
Identifiers: ClinVar variation 1482620 (VCV001482620.6), dbSNP rs876659730, ClinGen allele CA360936416.
Genomic context (GRCh38, chr5:132,642,230, plus strand): 5'-TGTTGCAGGATAATAAAAAGTCGCTCACAGCAGCGTAACTTCCAGCTTCTGGTAATCACT[C>G]ATGATGAAGATTTTGTGGAGCTTTTAGGACGTTCTGAATATGTGGAGAAATTCTACAGGA-3'
Protein context (NP_005723.2, residues 1259-1279): QRNFQLLVIT[His1269Asp]DEDFVELLGR

ClinVar aggregate classification (germline): Uncertain significance (1 of 4 stars; one submission).

Conditions:
Hereditary cancer-predisposing syndrome. Also called: Tumor predisposition; Hereditary Cancer Syndrome; Hereditary neoplastic syndrome; Neoplastic Syndromes, Hereditary. Identifiers: Orphanet 140162, MedGen C0027672, MeSH D009386, MONDO:0015356.

Submission:

Labcorp Genetics (formerly Invitae), Labcorp
Classification: Uncertain significance for Hereditary cancer-predisposing syndrome. Last evaluated: 2021-10-18. Review status: criteria provided, single submitter. Criteria: Invitae Variant Classification Sherloc (09022015). Collection method: clinical testing. Allele origin: germline.
Comment: In summary, the available evidence is currently insufficient to determine the role of this variant in disease. Therefore, it has been classified as a Variant of Uncertain Significance. Algorithms developed to predict the effect of missense changes on protein structure and function are either unavailable or do not agree on the potential impact of this missense change (SIFT: "Deleterious"; PolyPhen-2: "Probably Damaging"; Align-GVGD: "Class C0"). This variant has not been reported in the literature in individuals affected with RAD50-related conditions. This variant is not present in population databases (ExAC no frequency). This sequence change replaces histidine with aspartic acid at codon 1269 of the RAD50 protein (p.His1269Asp). The histidine residue is highly conserved and there is a moderate physicochemical difference between histidine and aspartic acid.